The following is an entry in ClinVar:

NM_139058.3(ARX):c.273G>C (p.Pro91=)

Gene: ARX (aristaless related homeobox; minus strand). Cytogenetic location: Xp21.3.
Variant type: single nucleotide variant.
Coding change: c.273G>C on transcript NM_139058.3 (MANE Select); coding-DNA position 273, G replaced by C.
Protein change: p.Pro91=; no amino-acid change (proline 91 retained).
Molecular consequence: synonymous variant.
Genome position (GRCh38, 1-based): chrX:25,013,722, C>G on the plus strand (G>C on the coding strand, the complement: ARX is on the minus strand). VCF-style: chrX-25013722-C-G. GRCh37 (hg19) VCF-style: chrX-25031839-C-G.
Identifiers: ClinVar variation 2134140 (VCV002134140.18), dbSNP rs1601948805, ClinGen allele CA515749108.

ClinVar aggregate classification (germline): Likely benign. Review status: criteria provided, multiple submitters, no conflicts (2 of 4 stars). 2 submissions from 2 submitters: Likely benign (2). Last evaluated 2024-09-01.

Conditions:
Developmental and epileptic encephalopathy, 1 (DEE1). Also called: X-linked infantile spasms; West's syndrome; Tonic spasms with clustering, arrest of psychomotor development and hypsarrhythmia on EEG; X-Linked Infantile Spasm Syndrome; OHTAHARA SYNDROME, X-LINKED; Epileptic encephalopathy, early infantile, 1. Identifiers: MedGen C3463992, MONDO:0010632, OMIM 308350. Disease mechanism: loss of function.
Intellectual disability, X-linked, with or without seizures, ARX-related. Also called: MENTAL RETARDATION, X-LINKED 29; MENTAL RETARDATION, X-LINKED 32; MENTAL RETARDATION, X-LINKED 33; MENTAL RETARDATION, X-LINKED 38; MENTAL RETARDATION, X-LINKED 43; MENTAL RETARDATION, X-LINKED 76. Identifiers: Orphanet 777, MedGen C0796244, MONDO:0010317, OMIM 300419.

Submissions (2):

CeGaT Center for Human Genetics Tuebingen
Classification: Likely benign. Last evaluated: 2024-09-01. Review status: criteria provided, single submitter. Criteria: CeGaT Center For Human Genetics Tuebingen Variant Classification Criteria Version 2. Collection method: clinical testing. Allele origin: germline. Affected: yes. Observed: 1 variant allele.
Comment: ARX: PM2:Supporting, BP4, BP7

Labcorp Genetics (formerly Invitae), Labcorp
Classification: Likely benign for Developmental and epileptic encephalopathy, 1; Intellectual disability, X-linked, with or without seizures, ARX-related. Last evaluated: 2022-05-05. Review status: criteria provided, single submitter. Criteria: Invitae Variant Classification Sherloc (09022015). Collection method: clinical testing. Allele origin: germline.